The following continues an entry in ClinVar:

NM_007289.4(MME):c.467del (p.Pro156fs)

Gene: MME. ClinVar aggregate classification (germline): Pathogenic/Likely pathogenic. Pathogenic (21); Likely pathogenic (1).

Submissions 14 to 26 of 26:

Molecular Genetics, Royal Melbourne Hospital
Classification: Pathogenic for Charcot-Marie-Tooth disease type 2T. Last evaluated: 2023-06-15. Review status: criteria provided, single submitter. Criteria: ACMG Guidelines, 2015. Collection method: clinical testing. Allele origin: germline. Inheritance: Semidominant inheritance. Affected: yes.
Comment: This sequence change in MME is a frameshift variant predicted to cause a premature stop codon, p.(Pro156Leufs*14), in biologically relevant exon 6/23 leading to nonsense-mediated decay in a gene in which loss of function is an established disease mechanism (PMID: 33144514, 27588448). The highest population minor allele frequency in the population database gnomAD v2.1 is 0.07% (25/35,256 alleles) in the Latino/Admixed American population. This variant has been reported in the context of both recessive and dominant (dominant risk factor with incomplete penetrance) inheritance patterns for Charcot-Marie-Tooth (CMT) disease (PMID: 33144514). The variant has been reported to segregate with CMT in multiple families with evidence for semi-dominant inheritance (PMID: 27588448, 33144514, 35318247). A significant reduction in neprilysin levels has been reported in the adipose tissue and blood plasma of heterozygous carriers compared to controls (PMID: 27588448). Based on the classification scheme RMH Modified ACMG Guidelines v1.5.1, this variant is classified as PATHOGENIC. Following criteria are met: PVS1, PP1_Strong.

MGZ Medical Genetics Center
Classification: Pathogenic for Charcot-Marie-Tooth disease axonal type 2T. Last evaluated: 2022-06-08. Review status: criteria provided, single submitter. Criteria: ACMG Guidelines, 2015. Collection method: clinical testing. Allele origin: germline. Affected: yes. Observed: 2 variant alleles.
Comment: ACMG criteria applied: PVS1, PP1_STR, PS4_MOD, PM2_SUP

3billion
Classification: Pathogenic for Charcot-Marie-Tooth disease axonal type 2T. Last evaluated: 2022-05-22. Review status: criteria provided, single submitter. Criteria: ACMG Guidelines, 2015. Collection method: clinical testing. Allele origin: germline. Affected: yes. Observed: 1 homozygote.
Comment: The variant is observed at an extremely low frequency in the gnomAD v2.1.1 dataset (total allele frequency: 0.025%). Frameshift: predicted to result in a loss or disruption of normal protein function through nonsense-mediated decay (NMD) or protein truncation. Multiple pathogenic variants are reported downstream of the variant. The variant has been reported at least twice as pathogenic with clinical assertions and evidence for the classification (ClinVar ID: VCV000426945 / PMID: 15464186 / 3billion dataset). Therefore, this variant is classified as pathogenic according to the recommendation of ACMG/AMP guideline.

GeneDx
Classification: Pathogenic. Last evaluated: 2022-04-27. Review status: criteria provided, single submitter. Criteria: GeneDx Variant Classification Process June 2021. Collection method: clinical testing. Allele origin: germline. Affected: yes.
Comment: Reported to segregate with disease in two unrelated families with autosomal dominant late-onset peripheral neuropathy (Auer-Grumbach et al., 2016); Frameshift variant predicted to result in protein truncation or nonsense mediated decay in a gene for which loss-of-function is a known mechanism of disease; This variant is associated with the following publications: (PMID: 25565308, 34758253, 15464186, 27588448, 30415211, 31974930, 34307994, 31589614, 33726816, 32345996, 31429185, 20692264, 35318247)

Institute of Human Genetics, University of Leipzig Medical Center
Classification: Pathogenic for Charcot-Marie-Tooth disease axonal type 2T. Last evaluated: 2022-04-27. Review status: criteria provided, single submitter. Criteria: ACMG Guidelines, 2015. Collection method: clinical testing. Allele origin: unknown. Affected: yes.
Comment: _x000D_ Criteria applied: PVS1, PS4_SUP, PP1

Revvity Omics, Revvity
Classification: Pathogenic. Last evaluated: 2021-09-15. Review status: criteria provided, single submitter. Criteria: ACMG Guidelines, 2015. Collection method: clinical testing. Allele origin: germline.

Centre for Mendelian Genomics, University Medical Centre Ljubljana
Classification: Pathogenic for Spinocerebellar ataxia 43. Last evaluated: 2019-11-14. Review status: criteria provided, single submitter. Criteria: ACMG Guidelines, 2015. Collection method: clinical testing. Allele origin: unknown. Affected: yes.
Comment: This variant was classified as: Pathogenic. The following ACMG criteria were applied in classifying this variant: PVS1,PM1,PP5.

Clinical Genetics and Genomics, Karolinska University Hospital
Classification: Likely pathogenic. Last evaluated: 2017-06-30. Review status: criteria provided, single submitter. Criteria: ACMG Guidelines, 2015. Collection method: clinical testing. Allele origin: germline. Affected: yes. Observed: 3 variant alleles.

Clinical Genetics Service, Universitary Hospital 12 de Octubre
Classification: Pathogenic for Charcot-Marie-Tooth disease axonal type 2T. Review status: criteria provided, single submitter. Criteria: ACMG Guidelines, 2015. Collection method: clinical testing. Allele origin: germline. Affected: yes.

OMIM
Classification: risk factor for CHARCOT-MARIE-TOOTH DISEASE, AXONAL, TYPE 2T, SUSCEPTIBILITY TO. Last evaluated: 2016-10-06. Review status: no assertion criteria provided. Collection method: literature only. Allele origin: germline. Not counted in ClinVar's aggregate classification.

Clinical Genetics DNA and cytogenetics Diagnostics Lab, Erasmus MC, Erasmus Medical Center
Classification: Likely pathogenic. Review status: no assertion criteria provided. Collection method: clinical testing. Allele origin: germline. Affected: yes. Study: VKGL Data-share Consensus. Not counted in ClinVar's aggregate classification.

Genome Diagnostics Laboratory, University Medical Center Utrecht
Classification: Likely pathogenic. Review status: no assertion criteria provided. Collection method: clinical testing. Allele origin: germline. Affected: yes. Study: VKGL Data-share Consensus. Not counted in ClinVar's aggregate classification.

Genomics England Pilot Project, Genomics England
Classification: Pathogenic for Charcot-Marie-Tooth disease axonal type 2T. Review status: no assertion criteria provided. Criteria: ACGS Guidelines, 2016. Collection method: clinical testing. Allele origin: germline. Affected: yes. Not counted in ClinVar's aggregate classification.

Literature cited by the submitters: PubMed 26991897 (cited by Labcorp Genetics (formerly Invitae), Labcorp); PubMed 15464186 (cited by 3 submitters); PubMed 25565308 (cited by Labcorp Genetics (formerly Invitae), Labcorp and Mayo Clinic Laboratories, Mayo Clinic); PubMed 27588448 (cited by 5 submitters); PubMed 31974930 (cited by Dasa); PubMed 1546418 (cited by Dasa); PubMed 35318247 (cited by 3 submitters); PubMed 30415211 (cited by Mayo Clinic Laboratories, Mayo Clinic); PubMed 31589614 (cited by Mayo Clinic Laboratories, Mayo Clinic); PubMed 33144514 (cited by Mayo Clinic Laboratories, Mayo Clinic and Molecular Genetics, Royal Melbourne Hospital); PubMed 33726816 (cited by Mayo Clinic Laboratories, Mayo Clinic); PubMed 34307994 (cited by Mayo Clinic Laboratories, Mayo Clinic).